The following is an entry in ClinVar:

ClinVar aggregate classification (germline): Uncertain significance (1 of 4 stars; one submission).

Allele frequency attached by ClinVar (database versions not stated): ExAC 0.00001; gnomAD exomes 0.00001; gnomAD 0.00003; TOPMed 0.00003.
gnomAD v4.1: 22 of 1,613,594 alleles (0.0014%); highest among the groups gnomAD compares: South Asian, 0.0066%; no homozygotes.

Submission:

Ambry Genetics
Classification: Uncertain significance. Last evaluated: 2024-06-22. Review status: criteria provided, single submitter. Criteria: Ambry Variant Classification Scheme 2023. Collection method: clinical testing. Allele origin: germline.
Comment: The p.R222H variant (also known as c.665G>A), located in coding exon 4 of the IDH1 gene, results from a G to A substitution at nucleotide position 665. The arginine at codon 222 is replaced by histidine, an amino acid with highly similar properties. This amino acid position is conserved. In addition, this alteration is predicted to be deleterious by in silico analysis. Since supporting evidence is limited at this time, the clinical significance of this alteration remains unclear.

NM_005896.4(IDH1):c.665G>A (p.Arg222His)

Gene: IDH1 (isocitrate dehydrogenase (NADP(+)) 1; minus strand). Cytogenetic location: 2q34.
Variant type: single nucleotide variant.
Coding change: c.665G>A on transcript NM_005896.4 (MANE Select); coding-DNA position 665, G replaced by A.
Protein change: p.Arg222His; replaces arginine 222 with histidine.
Molecular consequence: missense variant.
Genome position (GRCh38, 1-based): chr2:208,243,460, C>T on the plus strand (G>A on the coding strand, the complement: IDH1 is on the minus strand). VCF-style: chr2-208243460-C-T. GRCh37 (hg19) VCF-style: chr2-209108184-C-T.
Other names: c.665G>A, p.Arg222His (NM_001282386.1, NM_001282387.1); short protein forms R222H.
Identifiers: ClinVar variation 1754732 (VCV001754732.3), dbSNP rs587778401, ClinGen allele CA2078946.